The following is an entry in ClinVar:

NM_016507.4(CDK12):c.2566C>G (p.Leu856Val)

Gene: CDK12 (cyclin dependent kinase 12; plus strand). Cytogenetic location: 17q12.
Variant type: single nucleotide variant.
Coding change: c.2566C>G on transcript NM_016507.4 (MANE Select); coding-DNA position 2566, C replaced by G.
Protein change: p.Leu856Val; replaces leucine 856 with valine.
Molecular consequence: missense variant.
Genome position (GRCh38, 1-based): chr17:39,501,396, C>G. VCF-style: chr17-39501396-C-G. GRCh37 (hg19) VCF-style: chr17-37657649-C-G.
Other names: c.2566C>G, p.Leu856Val (NM_015083.4); short protein forms L856V.
Identifiers: ClinVar variation 4224304 (VCV004224304.1).

ClinVar aggregate classification (germline): Uncertain significance (1 of 4 stars; one submission).

Submission:

Ambry Genetics
Classification: Uncertain significance. Last evaluated: 2025-07-21. Review status: criteria provided, single submitter. Criteria: Ambry Variant Classification Scheme 2023. Collection method: clinical testing. Allele origin: germline.
Comment: The p.L856V variant (also known as c.2566C>G), located in coding exon 6 of the CDK12 gene, results from a C to G substitution at nucleotide position 2566. The leucine at codon 856 is replaced by valine, an amino acid with highly similar properties. This amino acid position is conserved. In addition, the in silico prediction for this alteration is inconclusive. Based on the available evidence, the clinical significance of this variant remains unclear.